The following is an entry in ClinVar:

ClinVar aggregate classification (germline): Uncertain significance. Review status: criteria provided, multiple submitters, no conflicts (2 of 4 stars). 2 submissions from 2 submitters: Uncertain significance (2). Last evaluated 2025-04-13.

Conditions:
Familial cancer of breast. Also called: hereditary breast carcinoma; BREAST CANCER, FAMILIAL; Hereditary breast cancer. Identifiers: Orphanet 227535, MedGen C0346153, MONDO:0016419, OMIM 114480. Disease mechanism: loss of function.
Ataxia-telangiectasia syndrome (AT). Also called: AT, COMPLEMENTATION GROUP C; Ataxia telangiectasia (A-T); Cerebello-oculocutaneous telangiectasia; Immunodeficiency with ataxia telangiectasia; LOUIS-BAR SYNDROME; ATAXIA-TELANGIECTASIA, COMPLEMENTATION GROUP A. Identifiers: Orphanet 100, MedGen C0004135, MONDO:0008840, OMIM 208900.

Submissions (2):

Labcorp Genetics (formerly Invitae), Labcorp
Classification: Uncertain significance for Ataxia-telangiectasia syndrome. Last evaluated: 2025-04-13. Review status: criteria provided, single submitter. Criteria: Invitae Variant Classification Sherloc (09022015). Collection method: clinical testing. Allele origin: germline.
Comment: This sequence change replaces leucine, which is neutral and non-polar, with proline, which is neutral and non-polar, at codon 1842 of the ATM protein (p.Leu1842Pro). This variant is not present in population databases (gnomAD no frequency). This variant has not been reported in the literature in individuals affected with ATM-related conditions. ClinVar contains an entry for this variant (Variation ID: 2679706). Invitae Evidence Modeling of protein sequence and biophysical properties (such as structural, functional, and spatial information, amino acid conservation, physicochemical variation, residue mobility, and thermodynamic stability) indicates that this missense variant is expected to disrupt ATM protein function with a positive predictive value of 95%. In summary, the available evidence is currently insufficient to determine the role of this variant in disease. Therefore, it has been classified as a Variant of Uncertain Significance.

Baylor Genetics
Classification: Uncertain significance for Familial cancer of breast. Last evaluated: 2023-06-28. Review status: criteria provided, single submitter. Criteria: ACMG Guidelines, 2015. Collection method: clinical testing. Allele origin: unknown.

NM_000051.4(ATM):c.5525T>C (p.Leu1842Pro)

Gene: ATM (ATM serine/threonine kinase; plus strand). Cytogenetic location: 11q22.3.
Variant type: single nucleotide variant.
Coding change: c.5525T>C on transcript NM_000051.4 (MANE Select); coding-DNA position 5525, T replaced by C.
Protein change: p.Leu1842Pro; replaces leucine 1842 with proline.
Molecular consequence: missense variant.
Genome position (GRCh38, 1-based): chr11:108,304,703, T>C. VCF-style: chr11-108304703-T-C. GRCh37 (hg19) VCF-style: chr11-108175430-T-C.
Other names: c.5525T>C, p.Leu1842Pro (NM_001351834.2); short protein forms L1842P.
Identifiers: ClinVar variation 2679706 (VCV002679706.1), dbSNP rs1060501619, ClinGen allele CA382545833.